The following is an entry in ClinVar:

NM_001206999.2(CIT):c.4783C>T (p.Arg1595Cys)

Gene: CIT (citron rho-interacting serine/threonine kinase; minus strand). Cytogenetic location: 12q24.23.
Variant type: single nucleotide variant.
Coding change: c.4783C>T on transcript NM_001206999.2 (MANE Select); coding-DNA position 4783, C replaced by T.
Protein change: p.Arg1595Cys; replaces arginine 1595 with cysteine.
Molecular consequence: missense variant.
Genome position (GRCh38, 1-based): chr12:119,712,249, G>A on the plus strand (C>T on the coding strand, the complement: CIT is on the minus strand). VCF-style: chr12-119712249-G-A. GRCh37 (hg19) VCF-style: chr12-120150054-G-A.
Other names: c.4657C>T, p.Arg1553Cys (NM_007174.3); short protein forms R1553C, R1595C.
Identifiers: ClinVar variation 1706199 (VCV001706199.2), dbSNP rs1165615595, ClinGen allele CA386538371.
Genomic context (GRCh38, chr12:119,712,249, plus strand): 5'-CTGCTTTTTCCCTAGAAACTCTCCCACCTGCGACAACTGATTCTAAGGCGGTGACCCAGC[G>A]CTGTTTGTCAGGGAAGCTGGGAGCTAGCAAGTAGAGGGTTCTCCCGGGCCAGCAGGTGGT-3'
Protein context (NP_001193928.1, residues 1585-1605): LLAPSFPDKQ[Arg1595Cys]WVTALESVVA

ClinVar aggregate classification (germline): Uncertain significance (1 of 4 stars; one submission).

Submission:

GeneDx
Classification: Uncertain significance. Last evaluated: 2022-03-17. Review status: criteria provided, single submitter. Criteria: GeneDx Variant Classification Process June 2021. Collection method: clinical testing. Allele origin: germline. Affected: yes.
Comment: Not observed at significant frequency in large population cohorts (gnomAD); In silico analysis supports that this missense variant has a deleterious effect on protein structure/function; Has not been previously published as pathogenic or benign to our knowledge